The following is an entry in ClinVar:

NM_014905.5(GLS):c.1650+8A>C

Gene: GLS (glutaminase; plus strand). Cytogenetic location: 2q32.2.
Variant type: single nucleotide variant.
Coding change: c.1650+8A>C on transcript NM_014905.5 (MANE Select); 8 bases into the intron after coding-DNA position 1650, A replaced by C.
Molecular consequence: intron variant.
Genome position (GRCh38, 1-based): chr2:190,931,645, A>C. VCF-style: chr2-190931645-A-C. GRCh37 (hg19) VCF-style: chr2-191796371-A-C.
Other names: c.1650+8A>C (NM_001256310.2).
Identifiers: ClinVar variation 3050373 (VCV003050373.2), dbSNP rs575613519, ClinGen allele CA2029550.

ClinVar aggregate classification (germline): Benign (0 of 4 stars; one submission).

Conditions:
GLS-related disorder. Also called: GLS-related condition.

Allele frequency attached by ClinVar (database versions not stated): TOPMed 0.00015; gnomAD 0.00070; gnomAD exomes 0.00139; ExAC 0.00356; 1000 Genomes Project 30x 0.00531; 1000 Genomes Project 0.00579.
gnomAD v4.1: 1,771 of 1,350,052 alleles (0.13%); highest among the groups gnomAD compares: South Asian, 2.1%; 31 homozygotes.

Submission:

PreventionGenetics, part of Exact Sciences
Classification: Benign for GLS-related condition. Last evaluated: 2019-09-10. Review status: no assertion criteria provided. Collection method: clinical testing. Allele origin: germline.
Comment: This variant is classified as benign based on ACMG/AMP sequence variant interpretation guidelines (Richards et al. 2015 PMID: 25741868, with internal and published modifications).